The following is an entry in ClinVar:

NM_005826.5(HNRNPR):c.55A>T (p.Met19Leu)

Gene: HNRNPR (heterogeneous nuclear ribonucleoprotein R; minus strand). Cytogenetic location: 1p36.12.
Variant type: single nucleotide variant.
Coding change: c.55A>T on transcript NM_005826.5 (MANE Select); coding-DNA position 55, A replaced by T.
Protein change: p.Met19Leu; replaces methionine 19 with leucine.
Molecular consequence: missense variant. On other transcripts: intron variant (4).
Genome position (GRCh38, 1-based): chr1:23,340,954, T>A on the plus strand (A>T on the coding strand, the complement: HNRNPR is on the minus strand). VCF-style: chr1-23340954-T-A. GRCh37 (hg19) VCF-style: chr1-23667447-T-A.
Other names: c.55A>T, p.Met19Leu (NM_001102398.3, NM_001297620.2, NM_001437727.1 and 1 more transcripts); c.-146-2346A>T (NM_001297622.2, NM_001297621.2, NM_001102397.3 and 1 more transcripts); short protein forms M19L.
Identifiers: ClinVar variation 5008227 (VCV005008227.1).
Genomic context (GRCh38, chr1:23,340,954, plus strand): 5'-GGAGGCCTGCCTCTATCAGTGTCTTGTAGTGTTCTGTGTGAGTTACACTGGAAGTATCCA[T>A]TGGTTCTTCCTCTTCTTTTAACTGTACCGCATTACCATTCACCTGATTAGCCATTTTATT-3'
Protein context (NP_005817.1, residues 9-29): AVQLKEEEEP[Met19Leu]DTSSVTHTEH

ClinVar aggregate classification (germline): Uncertain significance (1 of 4 stars; one submission).

Submission:

GeneDx
Classification: Uncertain significance. Last evaluated: 2026-03-12. Review status: criteria provided, single submitter. Criteria: GeneDx Variant Classification Process June 2021. Collection method: clinical testing. Allele origin: germline.
Comment: Not observed at significant frequency in large population cohorts (gnomAD); In silico analysis suggests that this missense variant does not alter protein structure/function; Has not been previously published as pathogenic or benign to our knowledge